The following is an entry in ClinVar:

ClinVar aggregate classification (germline): Uncertain significance (1 of 4 stars; one submission).

Conditions:
Marfan syndrome (MFS). Also called: MARFAN SYNDROME, TYPE I; Marfan syndrome type 1; Marfan's syndrome; FBN1-Related Marfan Syndrome; Marfan syndrome, classic. Identifiers: Orphanet 284963, Orphanet 558, MedGen C0024796, MONDO:0007947, OMIM 154700.

gnomAD v4.1: 1 of 1,613,646 alleles (0.000062%); highest among the groups gnomAD compares: Non-Finnish European, 0.000085%; no homozygotes.

Submission:

All of Us Research Program, National Institutes of Health
Classification: Uncertain significance for Marfan syndrome. Last evaluated: 2024-03-05. Review status: criteria provided, single submitter. Criteria: ACMG Guidelines, 2015. Collection method: clinical testing. Allele origin: germline. Inheritance: Autosomal dominant inheritance. Observed: 1 variant allele, 1 heterozygote.
Comment: This study involves interpretation of variants in research participants for the purpose of population health screening. Participant phenotype was not available at the time of variant classification. Additional details can be found in publication PMID: 35346344, PMCID: PMC8962531

NM_000138.5(FBN1):c.3568C>G (p.Pro1190Ala)

Gene: FBN1 (fibrillin 1; minus strand). Cytogenetic location: 15q21.1.
Variant type: single nucleotide variant.
Coding change: c.3568C>G on transcript NM_000138.5 (MANE Select); coding-DNA position 3568, C replaced by G.
Protein change: p.Pro1190Ala; replaces proline 1190 with alanine.
Molecular consequence: missense variant.
Genome position (GRCh38, 1-based): chr15:48,487,096, G>C on the plus strand (C>G on the coding strand, the complement: FBN1 is on the minus strand). VCF-style: chr15-48487096-G-C. GRCh37 (hg19) VCF-style: chr15-48779293-G-C.
Other names: c.3568C>G, p.Pro1190Ala (NM_001406716.1); short protein forms P1190A.
Identifiers: ClinVar variation 3386814 (VCV003386814.1).